The following is an entry in ClinVar:

ClinVar aggregate classification (germline): Uncertain significance (1 of 4 stars; one submission).

gnomAD v4.1: 1 of 1,304,400 alleles (0.000077%); highest among the groups gnomAD compares: Admixed American, 0.0032%; no homozygotes.

Submission:

Ambry Genetics
Classification: Uncertain significance. Last evaluated: 2025-03-31. Review status: criteria provided, single submitter. Criteria: Ambry Variant Classification Scheme 2023. Collection method: clinical testing. Allele origin: germline.
Comment: The p.P70S variant (also known as c.208C>T), located in coding exon 1 of the WNK2 gene, results from a C to T substitution at nucleotide position 208. The proline at codon 70 is replaced by serine, an amino acid with similar properties. This amino acid position is conserved. In addition, this alteration is predicted to be tolerated by in silico analysis. Based on the available evidence, the clinical significance of this variant remains unclear.

NM_006648.4(WNK2):c.208C>T (p.Pro70Ser)

Gene: WNK2 (WNK lysine deficient protein kinase 2; plus strand). Cytogenetic location: 9q22.31.
Variant type: single nucleotide variant.
Coding change: c.208C>T on transcript NM_006648.4 (MANE Select); coding-DNA position 208, C replaced by T.
Protein change: p.Pro70Ser; replaces proline 70 with serine.
Molecular consequence: missense variant.
Genome position (GRCh38, 1-based): chr9:93,185,137, C>T. VCF-style: chr9-93185137-C-T. GRCh37 (hg19) VCF-style: chr9-95947419-C-T.
Other names: c.208C>T, p.Pro70Ser (NM_001282394.3); short protein forms P70S.
Identifiers: ClinVar variation 3981777 (VCV003981777.1).